The following is an entry in ClinVar:

ClinVar aggregate classification (germline): Uncertain significance. Review status: criteria provided, multiple submitters, no conflicts (2 of 4 stars). 4 submissions from 4 submitters: Uncertain significance (4). Last evaluated 2025-01-29.

Conditions:
Multiple endocrine neoplasia, type 1 (MEN1). Also called: MEN I; WERMER SYNDROME; Endocrine adenomatosis multiple; MEN 1; MEA I. Identifiers: Orphanet 652, MedGen C0025267, MeSH D018761, MONDO:0007540, OMIM 131100.
Hereditary cancer-predisposing syndrome. Also called: Hereditary Cancer Syndrome; Neoplastic Syndromes, Hereditary; Hereditary neoplastic syndrome; Tumor predisposition. Identifiers: Orphanet 140162, MedGen C0027672, MeSH D009386, MONDO:0015356.

Allele frequency attached by ClinVar (database versions not stated): gnomAD exomes below 0.00001; TOPMed below 0.00001; ExAC 0.00001; gnomAD 0.00001.

Submissions (4):

Labcorp Genetics (formerly Invitae), Labcorp
Classification: Uncertain significance for Multiple endocrine neoplasia, type 1. Last evaluated: 2025-01-29. Review status: criteria provided, single submitter. Criteria: Invitae Variant Classification Sherloc (09022015). Collection method: clinical testing. Allele origin: germline.
Comment: This sequence change replaces glutamine, which is neutral and polar, with arginine, which is basic and polar, at codon 536 of the MEN1 protein (p.Gln536Arg). This variant is present in population databases (rs762867287, gnomAD 0.0009%). This variant has not been reported in the literature in individuals affected with MEN1-related conditions. ClinVar contains an entry for this variant (Variation ID: 819632). Invitae Evidence Modeling of protein sequence and biophysical properties (such as structural, functional, and spatial information, amino acid conservation, physicochemical variation, residue mobility, and thermodynamic stability) indicates that this missense variant is not expected to disrupt MEN1 protein function with a negative predictive value of 95%. In summary, the available evidence is currently insufficient to determine the role of this variant in disease. Therefore, it has been classified as a Variant of Uncertain Significance.

GeneDx
Classification: Uncertain significance. Last evaluated: 2024-04-30. Review status: criteria provided, single submitter. Criteria: GeneDx Variant Classification Process June 2021. Collection method: clinical testing. Allele origin: germline. Affected: yes.
Comment: Not observed at significant frequency in large population cohorts (gnomAD); In silico analysis indicates that this missense variant does not alter protein structure/function; Has not been previously published as pathogenic or benign to our knowledge

Ambry Genetics
Classification: Uncertain significance for Hereditary cancer-predisposing syndrome. Last evaluated: 2023-10-24. Review status: criteria provided, single submitter. Criteria: Ambry Variant Classification Scheme 2023. Collection method: clinical testing. Allele origin: germline.
Comment: The p.Q536R variant (also known as c.1607A>G), located in coding exon 9 of the MEN1 gene, results from an A to G substitution at nucleotide position 1607. The glutamine at codon 536 is replaced by arginine, an amino acid with highly similar properties. This amino acid position is poorly conserved in available vertebrate species. In addition, this alteration is predicted to be tolerated by in silico analysis. Since supporting evidence is limited at this time, the clinical significance of this alteration remains unclear.

All of Us Research Program, National Institutes of Health
Classification: Uncertain significance for Multiple endocrine neoplasia, type 1. Last evaluated: 2023-09-17. Review status: criteria provided, single submitter. Criteria: ACMG Guidelines, 2015. Collection method: clinical testing. Allele origin: germline. Inheritance: Autosomal dominant inheritance. Observed: 1 variant allele, 1 heterozygote.
Comment: This missense variant replaces glutamine with arginine at codon 536 of the MEN1 protein. Computational prediction suggests that this variant may not impact protein structure and function (internally defined REVEL score threshold <= 0.5, PMID: 27666373). To our knowledge, functional studies have not been reported for this variant. This variant has not been reported in individuals affected with MEN1-related disorders in the literature. This variant has been identified in 1/250518 chromosomes in the general population by the Genome Aggregation Database (gnomAD). The available evidence is insufficient to determine the role of this variant in disease conclusively. Therefore, this variant is classified as a Variant of Uncertain Significance.

This study involves interpretation of variants in research participants for the purpose of population health screening. Participant phenotype was not available at the time of variant classification. Additional details can be found in publication PMID: 35346344, PMCID: PMC8962531

NM_001370259.2(MEN1):c.1607A>G (p.Gln536Arg)

Gene: MEN1 (menin 1; minus strand). Cytogenetic location: 11q13.1.
Variant type: single nucleotide variant.
Coding change: c.1607A>G on transcript NM_001370259.2 (MANE Select); coding-DNA position 1607, A replaced by G.
Protein change: p.Gln536Arg; replaces glutamine 536 with arginine.
Molecular consequence: missense variant.
Genome position (GRCh38, 1-based): chr11:64,804,560, T>C on the plus strand (A>G on the coding strand, the complement: MEN1 is on the minus strand). VCF-style: chr11-64804560-T-C. GRCh37 (hg19) VCF-style: chr11-64572032-T-C.
Other names: c.1622A>G, p.Gln541Arg (NM_000244.4, NM_130800.3, NM_130801.3 and 3 more transcripts); c.1733A>G, p.Gln578Arg (NM_001370251.2); c.1607A>G, p.Gln536Arg (NM_001370260.2, NM_001370261.2, NM_130799.3); c.1502A>G, p.Gln501Arg (NM_001370262.2, NM_001370263.2); short protein forms Q536R, Q541R, Q578R, Q501R.
Identifiers: ClinVar variation 819632 (VCV000819632.13), dbSNP rs762867287, ClinGen allele CA060822.